The following is an entry in ClinVar:

NM_022082.4(SLC17A9):c.250G>A (p.Gly84Arg)

Gene: SLC17A9 (solute carrier family 17 member 9; plus strand). Cytogenetic location: 20q13.33.
Variant type: single nucleotide variant.
Coding change: c.250G>A on transcript NM_022082.4 (MANE Select); coding-DNA position 250, G replaced by A.
Protein change: p.Gly84Arg; replaces glycine 84 with arginine.
Molecular consequence: missense variant.
Genome position (GRCh38, 1-based): chr20:62,956,955, G>A. VCF-style: chr20-62956955-G-A. GRCh37 (hg19) VCF-style: chr20-61588307-G-A.
Other names: c.232G>A, p.Gly78Arg (NM_001302643.2); short protein forms G78R, G84R.
Identifiers: ClinVar variation 717119 (VCV000717119.6), dbSNP rs187226528, ClinGen allele CA9952800.

ClinVar aggregate classification (germline): Likely benign. Review status: criteria provided, single submitter (1 of 4 stars). 2 submissions from 2 submitters: Likely benign (1). 1 of the submissions does not count toward it. Last evaluated 2019-12-31.

Conditions:
SLC17A9-related disorder. Also called: SLC17A9-related condition.

Allele frequency attached by ClinVar (database versions not stated): gnomAD exomes 0.00045; ExAC 0.00056; 1000 Genomes Project 0.00140; 1000 Genomes Project 30x 0.00172; gnomAD 0.00176 and 0.00194; ESP Exome Variant Server 0.00201; TOPMed 0.00205.

Submissions (2):

Labcorp Genetics (formerly Invitae), Labcorp
Classification: Likely benign. Last evaluated: 2019-12-31. Review status: criteria provided, single submitter. Criteria: Invitae Variant Classification Sherloc (09022015). Collection method: clinical testing. Allele origin: germline.

PreventionGenetics, part of Exact Sciences
Classification: Benign for SLC17A9-related condition. Last evaluated: 2020-05-06. Review status: no assertion criteria provided. Collection method: clinical testing. Allele origin: germline. Not counted in ClinVar's aggregate classification.
Comment: This variant is classified as benign based on ACMG/AMP sequence variant interpretation guidelines (Richards et al. 2015 PMID: 25741868, with internal and published modifications).